The following is an entry in ClinVar:

ClinVar aggregate classification (germline): Uncertain significance (1 of 4 stars; one submission).

Conditions:
Hereditary cancer-predisposing syndrome. Also called: Neoplastic Syndromes, Hereditary; Tumor predisposition; Hereditary neoplastic syndrome; Hereditary Cancer Syndrome. Identifiers: Orphanet 140162, MedGen C0027672, MeSH D009386, MONDO:0015356.

Submission:

Ambry Genetics
Classification: Uncertain significance for Hereditary cancer-predisposing syndrome. Last evaluated: 2026-08-15. Review status: criteria provided, single submitter. Criteria: Ambry Variant Classification Scheme 2023. Collection method: clinical testing. Allele origin: germline.
Comment: The p.A2795S variant (also known as c.8383G>T), located in coding exon 15 of the APC gene, results from a G to T substitution at nucleotide position 8383. The alanine at codon 2795 is replaced by serine, an amino acid with similar properties. This amino acid position is conserved. In addition, in silico predictors for this gene do not accurately predict pathogenicity. Based on the available evidence, the clinical significance of this variant remains unclear.

NM_000038.6(APC):c.8383G>T (p.Ala2795Ser)

Gene: APC (APC regulator of Wnt signaling pathway; plus strand). Cytogenetic location: 5q22.2.
Variant type: single nucleotide variant.
Coding change: c.8383G>T on transcript NM_000038.6 (MANE Select); coding-DNA position 8383, G replaced by T.
Protein change: p.Ala2795Ser; replaces alanine 2795 with serine.
Molecular consequence: missense variant. On other transcripts: non-coding transcript variant (2).
Genome position (GRCh38, 1-based): chr5:112,843,977, G>T. VCF-style: chr5-112843977-G-T. GRCh37 (hg19) VCF-style: chr5-112179674-G-T.
Other names: c.8383G>T, p.Ala2795Ser (NM_001127510.3, NM_001354895.2, NM_001407450.1); c.8329G>T, p.Ala2777Ser (NM_001127511.3); c.8437G>T, p.Ala2813Ser (NM_001354896.2, NM_001407447.1, NM_001407448.1 and 1 more transcripts); c.8413G>T, p.Ala2805Ser (NM_001354897.2); c.8308G>T, p.Ala2770Ser (NM_001354898.2); c.8299G>T, p.Ala2767Ser (NM_001354899.2); c.8260G>T, p.Ala2754Ser (NM_001354900.2); c.8206G>T, p.Ala2736Ser (NM_001354901.2, NM_001407453.1); and 11 more; short protein forms A2694S, A2770S, A2635S, A2736S, A2767S, A2777S, A2823S, A2411S.
Identifiers: ClinVar variation 5025795 (VCV005025795.1).